The following is an entry in ClinVar:

NM_000040.3(APOC3):c.253T>C (p.Trp85Arg)

Gene: APOC3 (apolipoprotein C3; plus strand). Cytogenetic location: 11q23.3.
Variant type: single nucleotide variant.
Coding change: c.253T>C on transcript NM_000040.3 (MANE Select); coding-DNA position 253, T replaced by C.
Protein change: p.Trp85Arg; replaces tryptophan 85 with arginine.
Molecular consequence: missense variant.
Genome position (GRCh38, 1-based): chr11:116,832,837, T>C. VCF-style: chr11-116832837-T-C. GRCh37 (hg19) VCF-style: chr11-116703553-T-C.
Other names: short protein forms W85R.
Identifiers: ClinVar variation 2826730 (VCV002826730.3), dbSNP rs2540281884, ClinGen allele CA382711486.

ClinVar aggregate classification (germline): Uncertain significance (1 of 4 stars; one submission).

Submission:

Labcorp Genetics (formerly Invitae), Labcorp
Classification: Uncertain significance. Last evaluated: 2023-01-09. Review status: criteria provided, single submitter. Criteria: Invitae Variant Classification Sherloc (09022015). Collection method: clinical testing. Allele origin: germline.
Comment: In summary, the available evidence is currently insufficient to determine the role of this variant in disease. Therefore, it has been classified as a Variant of Uncertain Significance. Algorithms developed to predict the effect of missense changes on protein structure and function (SIFT, PolyPhen-2, Align-GVGD) all suggest that this variant is likely to be disruptive. This variant has not been reported in the literature in individuals affected with APOC3-related conditions. This variant is not present in population databases (gnomAD no frequency). This sequence change replaces tryptophan, which is neutral and slightly polar, with arginine, which is basic and polar, at codon 85 of the APOC3 protein (p.Trp85Arg).